The following is an entry in ClinVar:

NM_006947.4(SRP72):c.1795G>A (p.Gly599Arg)

Gene: SRP72 (signal recognition particle 72; plus strand). Cytogenetic location: 4q12.
Variant type: single nucleotide variant.
Coding change: c.1795G>A on transcript NM_006947.4 (MANE Select); coding-DNA position 1795, G replaced by A.
Protein change: p.Gly599Arg; replaces glycine 599 with arginine.
Molecular consequence: missense variant. On other transcripts: non-coding transcript variant (1).
Genome position (GRCh38, 1-based): chr4:56,500,652, G>A. VCF-style: chr4-56500652-G-A. GRCh37 (hg19) VCF-style: chr4-57366818-G-A.
Other names: c.1612G>A, p.Gly538Arg (NM_001267722.2); short protein forms G599R, G538R.
Identifiers: ClinVar variation 4589601 (VCV004589601.1).

ClinVar aggregate classification (germline): Uncertain significance (1 of 4 stars; one submission).

Submission:

Ambry Genetics
Classification: Uncertain significance. Last evaluated: 2025-10-14. Review status: criteria provided, single submitter. Criteria: Ambry Variant Classification Scheme 2023. Collection method: clinical testing. Allele origin: germline.
Comment: The p.G599R variant (also known as c.1795G>A), located in coding exon 18 of the SRP72 gene, results from a G to A substitution at nucleotide position 1795. The glycine at codon 599 is replaced by arginine, an amino acid with dissimilar properties. This amino acid position is conserved. In addition, this alteration is predicted to be deleterious by in silico analysis. Based on the available evidence, the clinical significance of this variant remains unclear.